The following is an entry in ClinVar:

ClinVar aggregate classification (germline): Uncertain significance (1 of 4 stars; one submission).

Conditions:
Cardiovascular phenotype. Identifiers: MedGen CN230736.
Hereditary cancer-predisposing syndrome. Also called: Neoplastic Syndromes, Hereditary; Tumor predisposition; Hereditary Cancer Syndrome; Hereditary neoplastic syndrome. Identifiers: Orphanet 140162, MedGen C0027672, MeSH D009386, MONDO:0015356.

Submission:

Ambry Genetics
Classification: Uncertain significance for Cardiovascular phenotype; Hereditary cancer-predisposing syndrome. Last evaluated: 2022-09-01. Review status: criteria provided, single submitter. Criteria: Ambry Variant Classification Scheme 2023. Collection method: clinical testing. Allele origin: germline.
Comment: The p.H2349Q variant (also known as c.7047C>G), located in coding exon 47 of the NF1 gene, results from a C to G substitution at nucleotide position 7047. The histidine at codon 2349 is replaced by glutamine, an amino acid with highly similar properties. This amino acid position is highly conserved in available vertebrate species. In addition, the in silico prediction for this alteration is inconclusive. Since supporting evidence is limited at this time, the clinical significance of this alteration remains unclear.

NM_001042492.3(NF1):c.7110C>G (p.His2370Gln)

Gene: NF1 (neurofibromin 1; plus strand). Cytogenetic location: 17q11.2.
Variant type: single nucleotide variant.
Coding change: c.7110C>G on transcript NM_001042492.3 (MANE Select); coding-DNA position 7110, C replaced by G.
Protein change: p.His2370Gln; replaces histidine 2370 with glutamine.
Molecular consequence: missense variant.
Genome position (GRCh38, 1-based): chr17:31,343,056, C>G. VCF-style: chr17-31343056-C-G. GRCh37 (hg19) VCF-style: chr17-29670074-C-G.
Other names: c.7047C>G, p.His2349Gln (NM_000267.4); short protein forms H2370Q, H2349Q.
Identifiers: ClinVar variation 1756856 (VCV001756856.2), dbSNP rs201881479, ClinGen allele CA399015606.
Genomic context (GRCh38, chr17:31,343,056, plus strand): 5'-TTATCTTTAATAGAGTCCAGAGGAAGTATTTATGGCAATCCGGAATCCTCTGGAGTGGCA[C>G]TGCAAGCAAATGGATCATTTTGTTGGACTCAATTTCAACTCTAACTTTAACTTTGCATTG-3'
Protein context (NP_001035957.1, residues 2360-2380): FMAIRNPLEW[His2370Gln]CKQMDHFVGL